The following is an entry in ClinVar:

NM_000321.3(RB1):c.962A>G (p.Tyr321Cys)

Gene: RB1 (RB transcriptional corepressor 1; plus strand). Cytogenetic location: 13q14.2.
Variant type: single nucleotide variant.
Coding change: c.962A>G on transcript NM_000321.3 (MANE Select); coding-DNA position 962, A replaced by G.
Protein change: p.Tyr321Cys; replaces tyrosine 321 with cysteine.
Molecular consequence: missense variant.
Genome position (GRCh38, 1-based): chr13:48,367,516, A>G. VCF-style: chr13-48367516-A-G. GRCh37 (hg19) VCF-style: chr13-48941652-A-G.
Other names: short protein forms Y321C.
Identifiers: ClinVar variation 577070 (VCV000577070.14), dbSNP rs1566194338, ClinGen allele CA388160640.

ClinVar aggregate classification (germline): Uncertain significance. Review status: criteria provided, multiple submitters, no conflicts (2 of 4 stars). 2 submissions from 2 submitters: Uncertain significance (2). Last evaluated 2026-04-16.

Conditions:
Retinoblastoma (RB1). Also called: RETINOBLASTOMA, SOMATIC. Identifiers: Orphanet 790, MedGen C0035335, MeSH D012175, MONDO:0008380, OMIM 180200, HP:0009919. Disease mechanism: loss of function. Inheritance: Both sporadic and heritable forms are tested..
Hereditary cancer-predisposing syndrome. Also called: Tumor predisposition; Hereditary Cancer Syndrome; Neoplastic Syndromes, Hereditary; Hereditary neoplastic syndrome. Identifiers: Orphanet 140162, MedGen C0027672, MeSH D009386, MONDO:0015356.

Submissions (2):

Ambry Genetics
Classification: Uncertain significance for Hereditary cancer-predisposing syndrome. Last evaluated: 2026-04-16. Review status: criteria provided, single submitter. Criteria: Ambry Variant Classification Scheme 2023. Collection method: clinical testing. Allele origin: germline.
Comment: The p.Y321C variant (also known as c.962A>G), located in coding exon 10 of the RB1 gene, results from an A to G substitution at nucleotide position 962. The tyrosine at codon 321 is replaced by cysteine, an amino acid with highly dissimilar properties. This amino acid position is highly conserved in available vertebrate species. In addition, this alteration is predicted to be deleterious by in silico analysis. Based on the available evidence, the clinical significance of this variant remains unclear.

Labcorp Genetics (formerly Invitae), Labcorp
Classification: Uncertain significance for Retinoblastoma. Last evaluated: 2022-10-26. Review status: criteria provided, single submitter. Criteria: Invitae Variant Classification Sherloc (09022015). Collection method: clinical testing. Allele origin: germline.
Comment: In summary, the available evidence is currently insufficient to determine the role of this variant in disease. Therefore, it has been classified as a Variant of Uncertain Significance. Advanced modeling of protein sequence and biophysical properties (such as structural, functional, and spatial information, amino acid conservation, physicochemical variation, residue mobility, and thermodynamic stability) performed at Invitae indicates that this missense variant is expected to disrupt RB1 protein function. ClinVar contains an entry for this variant (Variation ID: 577070). This variant has not been reported in the literature in individuals affected with RB1-related conditions. This variant is not present in population databases (gnomAD no frequency). This sequence change replaces tyrosine, which is neutral and polar, with cysteine, which is neutral and slightly polar, at codon 321 of the RB1 protein (p.Tyr321Cys).